The following is an entry in ClinVar:

ClinVar aggregate classification (germline): Conflicting classifications of pathogenicity. Review status: criteria provided, conflicting classifications (1 of 4 stars). 3 submissions from 3 submitters: Likely pathogenic (2); Uncertain significance (1). Last evaluated 2025-12-18.

Conditions:
TRMU-related disorder. Also called: TRMU-related condition.
Acute infantile liver failure due to synthesis defect of mtDNA-encoded proteins. Also called: TRMU Deficiency; LIVER FAILURE, INFANTILE, TRANSIENT; Liver failure acute infantile. Identifiers: Orphanet 217371, MedGen C3278664, MONDO:0013111, OMIM 613070.

Allele frequency attached by ClinVar (database versions not stated): gnomAD exomes below 0.00001; TOPMed below 0.00001; ExAC 0.00001.
gnomAD v4.1: 1 of 1,614,074 alleles (0.000062%); highest among the groups gnomAD compares: Admixed American, 0.0017%; no homozygotes.

Submissions (3):

Natera, Inc.
Classification: Likely pathogenic for Acute infantile liver failure due to synthesis defect of mtDNA-encoded proteins. Last evaluated: 2025-12-18. Review status: criteria provided, single submitter. Criteria: Natera Variant Classification Schema (03/2026). Collection method: clinical testing. Allele origin: germline.
Comment: The c.758T>C variant in TRMU is a missense variant predicted to cause substitution of leucine to proline at amino acid 253. This variant is rare in the general population with a frequency below the threshold expected for the associated phenotype(s). This variant has been observed in one or more individuals affected with the associated recessive disease, as either homozygous or compound heterozygous with a second variant (PMID: 25326637). Functional studies show that this variant may disrupt protein function (PMID: 38113276). Computational prediction algorithms indicate this variant is likely to affect gene or protein function. Given the available evidence, this variant is classified as Likely Pathogenic.

PreventionGenetics, part of Exact Sciences
Classification: Uncertain significance for TRMU-related condition. Last evaluated: 2025-01-24. Review status: criteria provided, single submitter. Criteria: ACMG Guidelines, 2015. Collection method: clinical testing. Allele origin: germline.
Comment: The TRMU c.758T>C variant is predicted to result in the amino acid substitution p.Leu253Pro. This variant was reported in homozygous state in an individual with liver failure, hyperbilirubinemia and other abnormalities (Table S2, Lee et al. 2014. PubMed ID: 25326637; the same patient also reported in Table S1, Ahmad et al. 2024. PubMed ID: 38113276). This variant is reported in 0.0029% of alleles in individuals of Latino descent in gnomAD. Although we suspect that this variant may be pathogenic, at this time the clinical significance of this variant is uncertain due to the absence of conclusive functional and genetic evidence.

UCLA Clinical Genomics Center, UCLA
Classification: Likely pathogenic for Liver failure acute infantile. Last evaluated: 2014-06-10. Review status: criteria provided, single submitter. Criteria: Lee et al. (JAMA. 2014). Collection method: clinical testing. Allele origin: germline. Inheritance: Autosomal recessive inheritance. Affected: yes. Study: CES.

Literature cited by the submitters: PubMed 25326637 (cited by Natera, Inc.); PubMed 38113276 (cited by Natera, Inc.).

NM_018006.5(TRMU):c.758T>C (p.Leu253Pro)

Gene: TRMU (tRNA mitochondrial 2-thiouridylase; plus strand). Cytogenetic location: 22q13.31.
Variant type: single nucleotide variant.
Coding change: c.758T>C on transcript NM_018006.5 (MANE Select); coding-DNA position 758, T replaced by C.
Protein change: p.Leu253Pro; replaces leucine 253 with proline.
Molecular consequence: missense variant. On other transcripts: non-coding transcript variant (2).
Genome position (GRCh38, 1-based): chr22:46,352,316, T>C. VCF-style: chr22-46352316-T-C. GRCh37 (hg19) VCF-style: chr22-46748213-T-C.
Other names: c.416T>C, p.Leu139Pro (NM_001282782.2); c.338T>C, p.Leu113Pro (NM_001282783.2, NM_001282784.2); c.758T>C, p.Leu253Pro (NM_001282785.2); short protein forms L253P, L113P, L139P.
Identifiers: ClinVar variation 217019 (VCV000217019.4), dbSNP rs766314948, ClinGen allele CA210005.